The following is an entry in ClinVar:

ClinVar aggregate classification (germline): Uncertain significance. Review status: criteria provided, multiple submitters, no conflicts (2 of 4 stars). 2 submissions from 2 submitters: Uncertain significance (2). Last evaluated 2023-08-03.

Conditions:
Hereditary cancer-predisposing syndrome. Also called: Neoplastic Syndromes, Hereditary; Tumor predisposition; Hereditary Cancer Syndrome; Hereditary neoplastic syndrome. Identifiers: Orphanet 140162, MedGen C0027672, MeSH D009386, MONDO:0015356.
Fanconi anemia complementation group J. Also called: BRIP1-Related Fanconi Anemia. Identifiers: Orphanet 84, MedGen C1836860, MONDO:0012187, OMIM 609054.
Familial cancer of breast. Also called: Hereditary breast cancer; BREAST CANCER, FAMILIAL; hereditary breast carcinoma. Identifiers: Orphanet 227535, MedGen C0346153, MONDO:0016419, OMIM 114480. Disease mechanism: loss of function.

Submissions (2):

Labcorp Genetics (formerly Invitae), Labcorp
Classification: Uncertain significance for Familial cancer of breast; Fanconi anemia complementation group J. Last evaluated: 2023-08-03. Review status: criteria provided, single submitter. Criteria: Invitae Variant Classification Sherloc (09022015). Collection method: clinical testing. Allele origin: germline.
Comment: In summary, the available evidence is currently insufficient to determine the role of this variant in disease. Therefore, it has been classified as a Variant of Uncertain Significance. Advanced modeling of protein sequence and biophysical properties (such as structural, functional, and spatial information, amino acid conservation, physicochemical variation, residue mobility, and thermodynamic stability) has been performed at Invitae for this missense variant, however the output from this modeling did not meet the statistical confidence thresholds required to predict the impact of this variant on BRIP1 protein function. ClinVar contains an entry for this variant (Variation ID: 567596). This variant has not been reported in the literature in individuals affected with BRIP1-related conditions. This variant is not present in population databases (gnomAD no frequency). This sequence change replaces leucine, which is neutral and non-polar, with phenylalanine, which is neutral and non-polar, at codon 594 of the BRIP1 protein (p.Leu594Phe).

Ambry Genetics
Classification: Uncertain significance for Hereditary cancer-predisposing syndrome. Last evaluated: 2021-04-12. Review status: criteria provided, single submitter. Criteria: Ambry Variant Classification Scheme 2023. Collection method: clinical testing. Allele origin: germline.
Comment: The p.L594F variant (also known as c.1782A>T), located in coding exon 11 of the BRIP1 gene, results from an A to T substitution at nucleotide position 1782. The leucine at codon 594 is replaced by phenylalanine, an amino acid with highly similar properties. This amino acid position is highly conserved in available vertebrate species. In addition, the in silico prediction for this alteration is inconclusive. Since supporting evidence is limited at this time, the clinical significance of this alteration remains unclear.

NM_032043.3(BRIP1):c.1782A>T (p.Leu594Phe)

Gene: BRIP1 (BRCA1 interacting DNA helicase 1; minus strand). Cytogenetic location: 17q23.2.
Variant type: single nucleotide variant.
Coding change: c.1782A>T on transcript NM_032043.3 (MANE Select); coding-DNA position 1782, A replaced by T.
Protein change: p.Leu594Phe; replaces leucine 594 with phenylalanine.
Molecular consequence: missense variant.
Genome position (GRCh38, 1-based): chr17:61,780,852, T>A on the plus strand (A>T on the coding strand, the complement: BRIP1 is on the minus strand). VCF-style: chr17-61780852-T-A. GRCh37 (hg19) VCF-style: chr17-59858213-T-A.
Other names: short protein forms L594F.
Identifiers: ClinVar variation 567596 (VCV000567596.12), dbSNP rs1567813260, ClinGen allele CA400480266.